The following is an entry in ClinVar:

NM_003072.5(SMARCA4):c.316A>G (p.Met106Val)

Gene: SMARCA4 (SWI/SNF related BAF chromatin remodeling complex subunit ATPase 4; plus strand). Cytogenetic location: 19p13.2.
Variant type: single nucleotide variant.
Coding change: c.316A>G on transcript NM_003072.5 (MANE Select); coding-DNA position 316, A replaced by G.
Protein change: p.Met106Val; replaces methionine 106 with valine.
Molecular consequence: missense variant. On other transcripts: non-coding transcript variant (1).
Genome position (GRCh38, 1-based): chr19:10,985,366, A>G. VCF-style: chr19-10985366-A-G. GRCh37 (hg19) VCF-style: chr19-11096042-A-G.
Other names: c.316A>G, p.Met106Val (NM_001128845.2, NM_001128846.2, NM_001128847.4 and 4 more transcripts); short protein forms M106V.
Identifiers: ClinVar variation 823059 (VCV000823059.19), dbSNP rs773526113, ClinGen allele CA9203458.

ClinVar aggregate classification (germline): Uncertain significance. Review status: criteria provided, multiple submitters, no conflicts (2 of 4 stars). 5 submissions from 5 submitters: Uncertain significance (5). Last evaluated 2025-08-18.

Conditions:
Hereditary cancer-predisposing syndrome. Also called: Tumor predisposition; Hereditary Cancer Syndrome; Neoplastic Syndromes, Hereditary; Hereditary neoplastic syndrome. Identifiers: Orphanet 140162, MedGen C0027672, MeSH D009386, MONDO:0015356.
Intellectual disability, autosomal dominant 16 (CSS4). Also called: COFFIN-SIRIS SYNDROME 4. Identifiers: Orphanet 1465, MedGen C3553249, MONDO:0013821, OMIM 614609.
Rhabdoid tumor predisposition syndrome 2 (RTPS2). Identifiers: Orphanet 231108, Orphanet 69077, MedGen C2750074, MONDO:0013224, OMIM 613325.

Allele frequency attached by ClinVar (database versions not stated): gnomAD exomes below 0.00001; ExAC 0.00001.

Submissions (5):

Labcorp Genetics (formerly Invitae), Labcorp
Classification: Uncertain significance for Rhabdoid tumor predisposition syndrome 2. Last evaluated: 2025-08-18. Review status: criteria provided, single submitter. Criteria: Invitae Variant Classification Sherloc (09022015). Collection method: clinical testing. Allele origin: germline.
Comment: This sequence change replaces methionine, which is neutral and non-polar, with valine, which is neutral and non-polar, at codon 106 of the SMARCA4 protein (p.Met106Val). This variant is present in population databases (rs773526113, gnomAD 0.0009%). This variant has not been reported in the literature in individuals affected with SMARCA4-related conditions. ClinVar contains an entry for this variant (Variation ID: 823059). Invitae Evidence Modeling of protein sequence and biophysical properties (such as structural, functional, and spatial information, amino acid conservation, physicochemical variation, residue mobility, and thermodynamic stability) indicates that this missense variant is not expected to disrupt SMARCA4 protein function with a negative predictive value of 95%. In summary, the available evidence is currently insufficient to determine the role of this variant in disease. Therefore, it has been classified as a Variant of Uncertain Significance.

Ambry Genetics
Classification: Uncertain significance for Hereditary cancer-predisposing syndrome. Last evaluated: 2024-09-13. Review status: criteria provided, single submitter. Criteria: Ambry Variant Classification Scheme 2023. Collection method: clinical testing. Allele origin: germline.
Comment: The p.M106V variant (also known as c.316A>G), located in coding exon 2 of the SMARCA4 gene, results from an A to G substitution at nucleotide position 316. The methionine at codon 106 is replaced by valine, an amino acid with highly similar properties. This amino acid position is highly conserved in available vertebrate species. In addition, the in silico prediction for this alteration is inconclusive. This variant has been detected in multiple individuals with no reported features of Coffin-Siris syndrome (Ambry internal data). Based on the supporting evidence, the association of this alteration with rhabdoid tumor predisposition syndrome is unknown; however, the association of this alteration with Coffin-Siris syndrome is unlikely.

GeneDx
Classification: Uncertain significance. Last evaluated: 2023-10-18. Review status: criteria provided, single submitter. Criteria: GeneDx Variant Classification Process June 2021. Collection method: clinical testing. Allele origin: germline. Affected: yes.
Comment: In silico analysis supports that this missense variant does not alter protein structure/function; Has not been previously published as pathogenic or benign to our knowledge

Baylor Genetics
Classification: Uncertain significance for Rhabdoid tumor predisposition syndrome 2. Last evaluated: 2023-10-16. Review status: criteria provided, single submitter. Criteria: ACMG Guidelines, 2015. Collection method: clinical testing. Allele origin: unknown.

Genome-Nilou Lab
Classification: Uncertain significance for Intellectual disability, autosomal dominant 16. Last evaluated: 2021-07-15. Review status: criteria provided, single submitter. Criteria: ACMG Guidelines, 2015. Collection method: clinical testing. Allele origin: germline. Affected: no.